The following is an entry in ClinVar:

ClinVar aggregate classification (germline): Uncertain significance. Review status: criteria provided, multiple submitters, no conflicts (2 of 4 stars). 2 submissions from 2 submitters: Uncertain significance (2). Last evaluated 2025-11-25.

Conditions:
Inborn genetic diseases. Identifiers: MedGen C0950123, MeSH D030342.

Allele frequency attached by ClinVar (database versions not stated): TOPMed 0.00004; gnomAD exomes 0.00001; ExAC 0.00002; gnomAD 0.00003.
gnomAD v4.1: 25 of 1,612,528 alleles (0.0016%); highest among the groups gnomAD compares: African/African-American, 0.0053%; no homozygotes.

Submissions (2):

Women's Health and Genetics/Laboratory Corporation of America, LabCorp
Classification: Uncertain significance. Last evaluated: 2025-11-25. Review status: criteria provided, single submitter. Criteria: LabCorp Variant Classification Summary - May 2015. Collection method: clinical testing. Allele origin: germline.

Ambry Genetics
Classification: Uncertain significance for Inborn genetic diseases. Last evaluated: 2022-01-15. Review status: criteria provided, single submitter. Criteria: Ambry Variant Classification Scheme 2023. Collection method: clinical testing. Allele origin: germline.
Comment: The c.801+6C>T intronic alteration consists of a C to T substitution 6 nucleotides after exon 8 (coding exon 7) of the PHKG2 gene. Based on insufficient or conflicting evidence, the clinical significance of this alteration remains unclear.

NM_000294.3(PHKG2):c.801+6C>T

Gene: PHKG2 (phosphorylase kinase catalytic subunit gamma 2; plus strand). Cytogenetic location: 16p11.2.
Variant type: single nucleotide variant.
Coding change: c.801+6C>T on transcript NM_000294.3 (MANE Select); 6 bases into the intron after coding-DNA position 801, C replaced by T.
Molecular consequence: intron variant.
Genome position (GRCh38, 1-based): chr16:30,756,526, C>T. VCF-style: chr16-30756526-C-T. GRCh37 (hg19) VCF-style: chr16-30767847-C-T.
Other names: c.801+6C>T (NM_001172432.2).
Identifiers: ClinVar variation 2224728 (VCV002224728.3), dbSNP rs766050409, ClinGen allele CA8013299.